The following is an entry in ClinVar:

NM_206933.4(USH2A):c.2392G>A (p.Asp798Asn)

Genes: USH2A (usherin; minus strand), LOC122152296 (Sharpr-MPRA regulatory region 8762; plus strand). Cytogenetic location: 1q41.
Variant type: single nucleotide variant.
Coding change: c.2392G>A on transcript NM_206933.4 (MANE Select); coding-DNA position 2392, G replaced by A.
Protein change: p.Asp798Asn; replaces aspartic acid 798 with asparagine.
Molecular consequence: missense variant.
Genome position (GRCh38, 1-based): chr1:216,247,002, C>T on the plus strand (G>A on the coding strand, the complement: USH2A is on the minus strand). VCF-style: chr1-216247002-C-T. GRCh37 (hg19) VCF-style: chr1-216420344-C-T.
Other names: c.2392G>A, p.Asp798Asn (NM_007123.6); short protein forms D798N.
Identifiers: ClinVar variation 1517234 (VCV001517234.8), dbSNP rs2102545950, ClinGen allele CA344864892.

ClinVar aggregate classification (germline): Uncertain significance (1 of 4 stars; one submission).

Submission:

Labcorp Genetics (formerly Invitae), Labcorp
Classification: Uncertain significance. Last evaluated: 2022-07-06. Review status: criteria provided, single submitter. Criteria: Invitae Variant Classification Sherloc (09022015). Collection method: clinical testing. Allele origin: germline.
Comment: In summary, the available evidence is currently insufficient to determine the role of this variant in disease. Therefore, it has been classified as a Variant of Uncertain Significance. Algorithms developed to predict the effect of missense changes on protein structure and function output the following: SIFT: "Tolerated"; PolyPhen-2: "Benign"; Align-GVGD: "Class C0". The asparagine amino acid residue is found in multiple mammalian species, which suggests that this missense change does not adversely affect protein function. ClinVar contains an entry for this variant (Variation ID: 1517234). This variant has not been reported in the literature in individuals affected with USH2A-related conditions. This variant is not present in population databases (gnomAD no frequency). This sequence change replaces aspartic acid, which is acidic and polar, with asparagine, which is neutral and polar, at codon 798 of the USH2A protein (p.Asp798Asn).